The following is an entry in ClinVar:

ClinVar aggregate classification (germline): Uncertain significance (1 of 4 stars; one submission).

Submission:

GeneDx
Classification: Uncertain significance. Last evaluated: 2024-05-28. Review status: criteria provided, single submitter. Criteria: GeneDx Variant Classification Process June 2021. Collection method: clinical testing. Allele origin: germline. Affected: yes.
Comment: Not observed at significant frequency in large population cohorts (gnomAD); In silico analysis indicates that this missense variant does not alter protein structure/function; Has not been previously published as pathogenic or benign to our knowledge

NM_001348768.2(HECW2):c.2123C>T (p.Pro708Leu)

Gene: HECW2 (HECT, C2 and WW domain containing E3 ubiquitin protein ligase 2; minus strand). Cytogenetic location: 2q32.3.
Variant type: single nucleotide variant.
Coding change: c.2123C>T on transcript NM_001348768.2 (MANE Select); coding-DNA position 2123, C replaced by T.
Protein change: p.Pro708Leu; replaces proline 708 with leucine.
Molecular consequence: missense variant.
Genome position (GRCh38, 1-based): chr2:196,318,767, G>A on the plus strand (C>T on the coding strand, the complement: HECW2 is on the minus strand). VCF-style: chr2-196318767-G-A. GRCh37 (hg19) VCF-style: chr2-197183491-G-A.
Other names: c.2123C>T, p.Pro708Leu (NM_020760.4); c.1055C>T, p.Pro352Leu (NM_001304840.3); short protein forms P352L, P708L.
Identifiers: ClinVar variation 3383655 (VCV003383655.1).